The following is an entry in ClinVar:

NM_001457.4(FLNB):c.7753G>A (p.Val2585Met)

Gene: FLNB (filamin B; plus strand). Cytogenetic location: 3p14.3.
Variant type: single nucleotide variant.
Coding change: c.7753G>A on transcript NM_001457.4 (MANE Select); coding-DNA position 7753, G replaced by A.
Protein change: p.Val2585Met; replaces valine 2585 with methionine.
Molecular consequence: missense variant.
Genome position (GRCh38, 1-based): chr3:58,170,706, G>A. VCF-style: chr3-58170706-G-A. GRCh37 (hg19) VCF-style: chr3-58156433-G-A.
Other names: c.7753G>A (NM_001457.3); c.7846G>A, p.Val2616Met (NM_001164317.2); c.7720G>A, p.Val2574Met (NM_001164318.2); c.7681G>A, p.Val2561Met (NM_001164319.2); short protein forms V2585M, V2574M, V2561M, V2616M.
Identifiers: ClinVar variation 2897264 (VCV002897264.5), dbSNP rs1343872715, ClinGen allele CA353336345.

ClinVar aggregate classification (germline): Uncertain significance. Review status: criteria provided, single submitter (1 of 4 stars). 2 submissions from 2 submitters: Uncertain significance (1). 1 of the submissions does not count toward it. Last evaluated 2025-05-13.

Conditions:
FLNB-related disorder. Also called: FLNB-related disorders; FLNB-related condition. Identifiers: MedGen CN381095.

Allele frequency attached by ClinVar (database versions not stated): TOPMed below 0.00001; gnomAD 0.00001; gnomAD exomes 0.00002.
gnomAD v4.1: 38 of 1,614,088 alleles (0.0024%); highest among the groups gnomAD compares: Non-Finnish European, 0.0031%; no homozygotes.

Submissions (2):

Labcorp Genetics (formerly Invitae), Labcorp
Classification: Uncertain significance. Last evaluated: 2025-05-13. Review status: criteria provided, single submitter. Criteria: Invitae Variant Classification Sherloc (09022015). Collection method: clinical testing. Allele origin: germline.
Comment: This sequence change replaces valine, which is neutral and non-polar, with methionine, which is neutral and non-polar, at codon 2585 of the FLNB protein (p.Val2585Met). This variant is present in population databases (no rsID available, gnomAD 0.005%). This variant has not been reported in the literature in individuals affected with FLNB-related conditions. ClinVar contains an entry for this variant (Variation ID: 2897264). Invitae Evidence Modeling of protein sequence and biophysical properties (such as structural, functional, and spatial information, amino acid conservation, physicochemical variation, residue mobility, and thermodynamic stability) indicates that this missense variant is not expected to disrupt FLNB protein function with a negative predictive value of 95%. In summary, the available evidence is currently insufficient to determine the role of this variant in disease. Therefore, it has been classified as a Variant of Uncertain Significance.

PreventionGenetics, part of Exact Sciences
Classification: Uncertain significance for FLNB-related condition. Last evaluated: 2024-02-20. Review status: no assertion criteria provided. Collection method: clinical testing. Allele origin: germline. Not counted in ClinVar's aggregate classification.
Comment: The FLNB c.7753G>A variant is predicted to result in the amino acid substitution p.Val2585Met. To our knowledge, this variant has not been reported in the literature. This variant is reported in 0.0046% of alleles in individuals of European (Non-Finnish) descent in gnomAD. At this time, the clinical significance of this variant is uncertain due to the absence of conclusive functional and genetic evidence.